The following is an entry in ClinVar:

NM_000090.4(COL3A1):c.1232G>A (p.Gly411Glu)

Gene: COL3A1 (collagen type III alpha 1 chain; plus strand). Cytogenetic location: 2q32.2.
Variant type: single nucleotide variant.
Coding change: c.1232G>A on transcript NM_000090.4 (MANE Select); coding-DNA position 1232, G replaced by A.
Protein change: p.Gly411Glu; replaces glycine 411 with glutamic acid.
Molecular consequence: missense variant.
Genome position (GRCh38, 1-based): chr2:188,994,271, G>A. VCF-style: chr2-188994271-G-A. GRCh37 (hg19) VCF-style: chr2-189858997-G-A.
Other names: short protein forms G411E.
Identifiers: ClinVar variation 263468 (VCV000263468.5), dbSNP rs886038816, ClinGen allele CA10587526.

ClinVar aggregate classification (germline): Conflicting classifications of pathogenicity. Review status: criteria provided, conflicting classifications (1 of 4 stars). 2 submissions from 2 submitters: Likely pathogenic (1); Uncertain significance (1). Last evaluated 2018-09-21.

Conditions:
COL3A1-related disorder. Also called: COL3A1-related condition.
Cardiovascular phenotype. Identifiers: MedGen CN230736.

Submissions (2):

Blueprint Genetics
Classification: Likely pathogenic for COL3A1-related disorders. Last evaluated: 2018-09-21. Review status: criteria provided, single submitter. Criteria: ACMG Guidelines, 2015. Collection method: clinical testing. Allele origin: germline. Affected: yes. Observed: 1 variant allele.

Ambry Genetics
Classification: Uncertain significance for Cardiovascular phenotype. Last evaluated: 2012-12-21. Review status: criteria provided, single submitter. Criteria: Ambry Autosomal Dominant and X-Linked criteria (10/2015). Collection method: clinical testing. Allele origin: germline. Observed: 1 variant allele.
Comment: There is insufficient or conflicting evidence for classification of this alteration.